The following is an entry in ClinVar:

NM_145038.5(DRC1):c.1124G>A (p.Arg375His)

Gene: DRC1 (dynein regulatory complex subunit 1; plus strand). Cytogenetic location: 2p23.3.
Variant type: single nucleotide variant.
Coding change: c.1124G>A on transcript NM_145038.5 (MANE Select); coding-DNA position 1124, G replaced by A.
Protein change: p.Arg375His; replaces arginine 375 with histidine.
Molecular consequence: missense variant.
Genome position (GRCh38, 1-based): chr2:26,444,317, G>A. VCF-style: chr2-26444317-G-A. GRCh37 (hg19) VCF-style: chr2-26667185-G-A.
Other names: c.1124G>A (NM_145038.4); short protein forms R375H.
Identifiers: ClinVar variation 695946 (VCV000695946.16), dbSNP rs141347582, ClinGen allele CA1562143.
Genomic context (GRCh38, chr2:26,444,317, plus strand): 5'-ATGCCAAGCAAATAAAGCAGTTTCAGGAGGAGAACCAGTCTCTAACCTCGGACTACAAAC[G>A]TCTTGTGATGCAATTCAAGGAGCTACAGAAAGCCATGAGGTATCTTAAGGACTTGGTCCT-3'
Protein context (NP_659475.2, residues 365-385): ENQSLTSDYK[Arg375His]LVMQFKELQK

ClinVar aggregate classification (germline): Conflicting classifications of pathogenicity. Review status: criteria provided, conflicting classifications (1 of 4 stars). 5 submissions from 5 submitters: Uncertain significance (2); Likely benign (2). 1 of the submissions does not count toward it. Last evaluated 2026-01-12.

Conditions:
DRC1-related disorder. Also called: DRC1-related condition.
Primary ciliary dyskinesia 21. Also called: CILIARY DYSKINESIA, PRIMARY, 21, WITHOUT SITUS INVERSUS. Identifiers: Orphanet 244, MedGen C3809087, MONDO:0014123, OMIM 615294.
Primary ciliary dyskinesia. Also called: Ciliary dyskinesia. Identifiers: Orphanet 244, MedGen C0008780, MONDO:0016575, HP:0012265.

Allele frequency attached by ClinVar (database versions not stated): gnomAD 0.00011 and 0.00018; ESP Exome Variant Server 0.00015; gnomAD exomes 0.00015 and 0.00040; TOPMed 0.00022; ExAC 0.00040; 1000 Genomes Project 30x 0.00047; 1000 Genomes Project 0.00060.
gnomAD v4.1: 240 of 1,614,160 alleles (0.015%); highest among the groups gnomAD compares: East Asian, 0.39%; 1 homozygote.

Submissions (5):

Labcorp Genetics (formerly Invitae), Labcorp
Classification: Likely benign for Primary ciliary dyskinesia. Last evaluated: 2026-01-12. Review status: criteria provided, single submitter. Criteria: Invitae Variant Classification Sherloc (09022015). Collection method: clinical testing. Allele origin: germline.

GeneDx
Classification: Uncertain significance. Last evaluated: 2025-06-05. Review status: criteria provided, single submitter. Criteria: GeneDx Variant Classification Process June 2021. Collection method: clinical testing. Allele origin: germline. Affected: yes.
Comment: In silico analysis supports that this missense variant has a deleterious effect on protein structure/function; Has not been previously published as pathogenic or benign to our knowledge

Blueprint Genetics
Classification: Uncertain significance. Last evaluated: 2024-07-11. Review status: criteria provided, single submitter. Criteria: ACMG Guidelines, 2015. Collection method: clinical testing. Allele origin: germline.

Fulgent Genetics
Classification: Likely benign for Primary ciliary dyskinesia 21. Last evaluated: 2021-11-11. Review status: criteria provided, single submitter. Criteria: ACMG Guidelines, 2015. Collection method: clinical testing. Allele origin: unknown.

PreventionGenetics, part of Exact Sciences
Classification: Likely benign for DRC1-related condition. Last evaluated: 2023-05-16. Review status: no assertion criteria provided. Collection method: clinical testing. Allele origin: germline. Not counted in ClinVar's aggregate classification.
Comment: This variant is classified as likely benign based on ACMG/AMP sequence variant interpretation guidelines (Richards et al. 2015 PMID: 25741868, with internal and published modifications).